The following is an entry in ClinVar:

NM_002025.4(AFF2):c.481C>A (p.Arg161Ser)

Gene: AFF2 (ALF transcription elongation factor 2; plus strand). Cytogenetic location: Xq28.
Variant type: single nucleotide variant.
Coding change: c.481C>A on transcript NM_002025.4 (MANE Select); coding-DNA position 481, C replaced by A.
Protein change: p.Arg161Ser; replaces arginine 161 with serine.
Molecular consequence: missense variant.
Genome position (GRCh38, 1-based): chrX:148,662,208, C>A. VCF-style: chrX-148662208-C-A. GRCh37 (hg19) VCF-style: chrX-147743729-C-A.
Other names: c.469C>A, p.Arg157Ser (NM_001169122.2, NM_001169123.2, NM_001169125.2); c.481C>A, p.Arg161Ser (NM_001169124.2); c.481C>A (NM_002025.3); short protein forms R161S, R157S.
Identifiers: ClinVar variation 382520 (VCV000382520.3), dbSNP rs782411248, ClinGen allele CA10536810.

ClinVar aggregate classification (germline): Conflicting classifications of pathogenicity. Review status: criteria provided, conflicting classifications (1 of 4 stars). 2 submissions from 2 submitters: Uncertain significance (1); Likely benign (1). Last evaluated 2025-04-12.

Conditions:
Inborn genetic diseases. Identifiers: MedGen C0950123, MeSH D030342.

Allele frequency attached by ClinVar (database versions not stated): ExAC 0.00001; TOPMed 0.00002; gnomAD exomes 0.00002.
gnomAD v4.1: 9 of 1,208,782 alleles (0.00074%); highest among the groups gnomAD compares: Admixed American, 0.013%; no homozygotes.

Submissions (2):

Ambry Genetics
Classification: Likely benign for Inborn genetic diseases. Last evaluated: 2025-04-12. Review status: criteria provided, single submitter. Criteria: Ambry Variant Classification Scheme 2023. Collection method: clinical testing. Allele origin: germline.

GeneDx
Classification: Uncertain significance. Last evaluated: 2016-01-28. Review status: criteria provided, single submitter. Criteria: GeneDx Variant Classification (06012015). Collection method: clinical testing. Allele origin: germline. Affected: yes.
Comment: The R161S variant in the AFF2 gene has not been reported previously as a pathogenic variant, nor asa benign variant, to our knowledge. The R161S variant was not observed in approximately 6500individuals of European and African American ancestry in the NHLBI Exome Sequencing Project,indicating it is not a common benign variant in these populations. The R161S variant is asemi-conservative amino acid substitution, which may impact secondary protein structure as theseresidues differ in some properties. This substitution occurs at a position that is conserved in mammals.In silico analysis is inconsistent in its predictions as to whether or not the variant is damaging to theprotein structure/function. We interpret R161S as a variant of uncertain significance.